The following is an entry in ClinVar:

ClinVar aggregate classification (germline): Uncertain significance (1 of 4 stars; one submission).

Conditions:
Inborn genetic diseases. Identifiers: MedGen C0950123, MeSH D030342.

Allele frequency attached by ClinVar (database versions not stated): TOPMed 0.00002; gnomAD 0.00001.
gnomAD v4.1: 15 of 1,479,882 alleles (0.001%); highest among the groups gnomAD compares: East Asian, 0.02%; no homozygotes.

Submission:

Ambry Genetics
Classification: Uncertain significance for Inborn genetic diseases. Last evaluated: 2025-09-18. Review status: criteria provided, single submitter. Criteria: Ambry Variant Classification Scheme 2023. Collection method: clinical testing. Allele origin: germline.
Comment: The p.A1289T variant (also known as c.3865G>A), located in coding exon 28 of the LTBP3 gene, results from a G to A substitution at nucleotide position 3865. The alanine at codon 1289 is replaced by threonine, an amino acid with similar properties. This amino acid position is conserved. In addition, this alteration is predicted to be tolerated by in silico analysis. Since supporting evidence is limited at this time, the clinical significance of this alteration remains unclear.

NM_001130144.3(LTBP3):c.3865G>A (p.Ala1289Thr)

Gene: LTBP3 (latent transforming growth factor beta binding protein 3; minus strand). Cytogenetic location: 11q13.1.
Variant type: single nucleotide variant.
Coding change: c.3865G>A on transcript NM_001130144.3 (MANE Select); coding-DNA position 3865, G replaced by A.
Protein change: p.Ala1289Thr; replaces alanine 1289 with threonine.
Molecular consequence: missense variant.
Genome position (GRCh38, 1-based): chr11:65,539,127, C>T on the plus strand (G>A on the coding strand, the complement: LTBP3 is on the minus strand). VCF-style: chr11-65539127-C-T. GRCh37 (hg19) VCF-style: chr11-65306598-C-T.
Other names: c.3373G>A, p.Ala1125Thr (NM_001164266.1); c.3724G>A, p.Ala1242Thr (NM_021070.4); short protein forms A1289T, A1242T, A1125T.
Identifiers: ClinVar variation 2447584 (VCV002447584.3), dbSNP rs1176379857, ClinGen allele CA381265841.